The following is an entry in ClinVar:

ClinVar aggregate classification (germline): Uncertain significance. Review status: criteria provided, multiple submitters, no conflicts (2 of 4 stars). 2 submissions from 2 submitters: Uncertain significance (2). Last evaluated 2025-12-21.

Conditions:
DICER1-related tumor predisposition. Also called: DICER1-related pleuropulmonary blastoma cancer predisposition syndrome; DICER1 syndrome. Identifiers: Orphanet 284343, MedGen C3839822, MONDO:0100216.
Hereditary cancer-predisposing syndrome. Also called: Tumor predisposition; Neoplastic Syndromes, Hereditary; Hereditary Cancer Syndrome; Hereditary neoplastic syndrome. Identifiers: Orphanet 140162, MedGen C0027672, MeSH D009386, MONDO:0015356.

Submissions (2):

Labcorp Genetics (formerly Invitae), Labcorp
Classification: Uncertain significance for DICER1-related tumor predisposition. Last evaluated: 2025-12-21. Review status: criteria provided, single submitter. Criteria: Invitae Variant Classification Sherloc (09022015). Collection method: clinical testing. Allele origin: germline.
Comment: This sequence change replaces leucine, which is neutral and non-polar, with phenylalanine, which is neutral and non-polar, at codon 843 of the DICER1 protein (p.Leu843Phe). This variant is not present in population databases (gnomAD no frequency). This variant has not been reported in the literature in individuals affected with DICER1-related conditions. ClinVar contains an entry for this variant (Variation ID: 479660). Invitae Evidence Modeling of protein sequence and biophysical properties (such as structural, functional, and spatial information, amino acid conservation, physicochemical variation, residue mobility, and thermodynamic stability) has been performed for this missense variant. However, the output from this modeling did not meet the statistical confidence thresholds required to predict the impact of this variant on DICER1 protein function. In summary, the available evidence is currently insufficient to determine the role of this variant in disease. Therefore, it has been classified as a Variant of Uncertain Significance.

Ambry Genetics
Classification: Uncertain significance for Hereditary cancer-predisposing syndrome. Last evaluated: 2024-09-05. Review status: criteria provided, single submitter. Criteria: Ambry Variant Classification Scheme 2023. Collection method: clinical testing. Allele origin: germline.
Comment: The p.L843F variant (also known as c.2527C>T), located in coding exon 15 of the DICER1 gene, results from a C to T substitution at nucleotide position 2527. The leucine at codon 843 is replaced by phenylalanine, an amino acid with highly similar properties. This amino acid position is highly conserved in available vertebrate species. In addition, this alteration is predicted to be deleterious by in silico analysis. Based on the available evidence, the clinical significance of this variant remains unclear.

NM_177438.3(DICER1):c.2527C>T (p.Leu843Phe)

Gene: DICER1 (dicer 1, ribonuclease III; minus strand). Cytogenetic location: 14q32.13.
Variant type: single nucleotide variant.
Coding change: c.2527C>T on transcript NM_177438.3 (MANE Select); coding-DNA position 2527, C replaced by T.
Protein change: p.Leu843Phe; replaces leucine 843 with phenylalanine.
Molecular consequence: missense variant.
Genome position (GRCh38, 1-based): chr14:95,108,003, G>A on the plus strand (C>T on the coding strand, the complement: DICER1 is on the minus strand). VCF-style: chr14-95108003-G-A. GRCh37 (hg19) VCF-style: chr14-95574340-G-A.
Other names: c.2527C>T, p.Leu843Phe (NM_001195573.1, NM_001271282.3, NM_001291628.2 and 1 more transcripts); short protein forms L843F.
Identifiers: ClinVar variation 479660 (VCV000479660.17), dbSNP rs1555370815, ClinGen allele CA390881833.
Genomic context (GRCh38, chr14:95,108,003, plus strand): 5'-GTTTTTCAAGCCGAAGAATATGTGAGAATATATACTGGTGAAGTCTTGTAATCAACTCAA[G>A]CATTTGTAGAGACAACATGAAACCAGACTTCTTCAACTCAATGGATATGGTAACCTCTCC-3'
Protein context (NP_803187.1, residues 833-853): KSGFMLSLQM[Leu843Phe]ELITRLHQYI